The following is an entry in ClinVar:

ClinVar aggregate classification (germline): Pathogenic (1 of 4 stars; one submission).

Conditions:
Inborn genetic diseases. Identifiers: MedGen C0950123, MeSH D030342.

Submission:

Ambry Genetics
Classification: Pathogenic for Inborn genetic diseases. Last evaluated: 2022-04-14. Review status: criteria provided, single submitter. Criteria: Ambry Variant Classification Scheme 2023. Collection method: clinical testing. Allele origin: germline.
Comment: The c.165delT (p.T56Pfs*4) alteration, located in exon 1 (coding exon 1) of the TBR1 gene, consists of a deletion of one nucleotide at position 165, causing a translational frameshift with a predicted alternate stop codon after 4 amino acids. This alteration is expected to result in loss of function by premature protein truncation or nonsense-mediated mRNA decay. This variant was not reported in population-based cohorts in the Genome Aggregation Database (gnomAD). Based on the available evidence, this alteration is classified as pathogenic.

NM_006593.4(TBR1):c.165del (p.Thr56fs)

Gene: TBR1 (T-box brain transcription factor 1; plus strand). Cytogenetic location: 2q24.2.
Variant type: Deletion.
Coding change: c.165del on transcript NM_006593.4 (MANE Select); coding-DNA position 165, one base deleted (T; older notation c.165delT).
Protein change: p.Thr56fs; shifts the reading frame from threonine 56.
Molecular consequence: frameshift variant.
Genome position (GRCh38, 1-based): chr2:161,416,575, T deleted; the last of 2 consecutive T bases (chr2:161,416,574-161,416,575); deleting either gives the same sequence. VCF-style (leftmost placement, unchanged base first): chr2-161416573-AT-A. GRCh37 (hg19) VCF-style: chr2-162273084-AT-A.
Other names: short protein forms T56fs.
Identifiers: ClinVar variation 2283476 (VCV002283476.2), dbSNP rs2468090214, ClinGen allele CA2580064141.